The following is an entry in ClinVar:

ClinVar aggregate classification (germline): Uncertain significance (1 of 4 stars; one submission).

Conditions:
NRP1-related disorder. Also called: NRP1-related condition.

Allele frequency attached by ClinVar (database versions not stated): gnomAD exomes 0.00002; gnomAD 0.00005; TOPMed 0.00006; ExAC 0.00012.
gnomAD v4.1: 36 of 1,609,604 alleles (0.0022%); highest among the groups gnomAD compares: Admixed American, 0.055%; no homozygotes.

Submission:

PreventionGenetics, part of Exact Sciences
Classification: Uncertain significance for NRP1-related condition. Last evaluated: 2026-05-12. Review status: criteria provided, single submitter. Criteria: ACMG Guidelines, 2015. Collection method: clinical testing. Allele origin: germline.
Comment: The NRP1 c.1760C>T variant is predicted to result in the amino acid substitution p.Ala587Val. To our knowledge, this variant has not been reported in the literature. This variant is reported in 0.086% of alleles in individuals of Latino descent in gnomAD, which may be too frequent to be a primary cause of disease. Although we suspect that this variant may be benign, at this time, the clinical significance of this variant is uncertain due to the absence of conclusive functional and genetic evidence.

NM_003873.7(NRP1):c.1760C>T (p.Ala587Val)

Gene: NRP1 (neuropilin 1; minus strand). Cytogenetic location: 10p11.22.
Variant type: single nucleotide variant.
Coding change: c.1760C>T on transcript NM_003873.7 (MANE Select); coding-DNA position 1760, C replaced by T.
Protein change: p.Ala587Val; replaces alanine 587 with valine.
Molecular consequence: missense variant. On other transcripts: non-coding transcript variant (1), intron variant (1).
Genome position (GRCh38, 1-based): chr10:33,202,995, G>A on the plus strand (C>T on the coding strand, the complement: NRP1 is on the minus strand). VCF-style: chr10-33202995-G-A. GRCh37 (hg19) VCF-style: chr10-33491923-G-A.
Other names: c.1760C>T, p.Ala587Val (NM_001024628.3, NM_001244972.2, NM_001244973.2 and 1 more transcripts); c.1759+4577C>T (NM_001024629.3); short protein forms A587V.
Identifiers: ClinVar variation 3058542 (VCV003058542.3), dbSNP rs754732280, ClinGen allele CA5466438.